The following is an entry in ClinVar:

NM_018006.5(TRMU):c.1246G>T (p.Gly416Cys)

Gene: TRMU (tRNA mitochondrial 2-thiouridylase; plus strand). Cytogenetic location: 22q13.31.
Variant type: single nucleotide variant.
Coding change: c.1246G>T on transcript NM_018006.5 (MANE Select); coding-DNA position 1246, G replaced by T.
Protein change: p.Gly416Cys; replaces glycine 416 with cysteine.
Molecular consequence: missense variant. On other transcripts: 3 prime UTR variant (2), non-coding transcript variant (2).
Genome position (GRCh38, 1-based): chr22:46,356,986, G>T. VCF-style: chr22-46356986-G-T. GRCh37 (hg19) VCF-style: chr22-46752883-G-T.
Other names: p.G416C:GGC>TGC; p.Gly416Cys; c.904G>T, p.Gly302Cys (NM_001282782.2); c.826G>T, p.Gly276Cys (NM_001282783.2); c.*32G>T (NM_001282784.2, NM_001282785.2); short protein forms G416C, G302C, G276C.
Identifiers: ClinVar variation 215283 (VCV000215283.6), dbSNP rs150043707, ClinGen allele CA323145.

ClinVar aggregate classification (germline): Conflicting classifications of pathogenicity. Review status: criteria provided, conflicting classifications (1 of 4 stars). 4 submissions from 4 submitters: Uncertain significance (3); Likely benign (1). Last evaluated 2024-06-03.

Conditions:
Inborn genetic diseases. Identifiers: MedGen C0950123, MeSH D030342.

Allele frequency attached by ClinVar (database versions not stated): ESP Exome Variant Server 0.00008; gnomAD exomes 0.00002; ExAC 0.00003; gnomAD 0.00003 and 0.00004; TOPMed 0.00004.
gnomAD v4.1: 34 of 1,613,476 alleles (0.0021%); highest among the groups gnomAD compares: Non-Finnish European, 0.0026%; no homozygotes.

Submissions (4):

Labcorp Genetics (formerly Invitae), Labcorp
Classification: Uncertain significance. Last evaluated: 2024-06-03. Review status: criteria provided, single submitter. Criteria: Invitae Variant Classification Sherloc (09022015). Collection method: clinical testing. Allele origin: germline.
Comment: This sequence change replaces glycine, which is neutral and non-polar, with cysteine, which is neutral and slightly polar, at codon 416 of the TRMU protein (p.Gly416Cys). This variant is present in population databases (rs150043707, gnomAD 0.004%). This variant has not been reported in the literature in individuals affected with TRMU-related conditions. ClinVar contains an entry for this variant (Variation ID: 215283). An algorithm developed to predict the effect of missense changes on protein structure and function (PolyPhen-2) suggests that this variant¬†is likely to be tolerated. In summary, the available evidence is currently insufficient to determine the role of this variant in disease. Therefore, it has been classified as a Variant of Uncertain Significance.

Mayo Clinic Laboratories, Mayo Clinic
Classification: Uncertain significance. Last evaluated: 2023-10-31. Review status: criteria provided, single submitter. Criteria: ACMG Guidelines, 2015. Collection method: clinical testing. Allele origin: germline. Observed: 1 variant allele.
Comment: BP4, PM2_moderate

Ambry Genetics
Classification: Uncertain significance for Inborn genetic diseases. Last evaluated: 2023-06-02. Review status: criteria provided, single submitter. Criteria: Ambry Variant Classification Scheme 2023. Collection method: clinical testing. Allele origin: germline.

GeneDx
Classification: Likely benign. Last evaluated: 2013-11-19. Review status: criteria provided, single submitter. Criteria: GeneDx Variant Classification (06012015). Collection method: clinical testing. Allele origin: germline. Affected: yes.
Comment: This variant is considered likely benign or benign based on one or more of the following criteria: it is a conservative change, it occurs at a poorly conserved position in the protein, it is predicted to be benign by multiple in silico algorithms, and/or has population frequency not consistent with disease.